The following is an entry in ClinVar:

NM_001005242.3(PKP2):c.1592C>T (p.Ala531Val)

Gene: PKP2 (plakophilin 2; minus strand). Cytogenetic location: 12p11.21.
Variant type: single nucleotide variant.
Coding change: c.1592C>T on transcript NM_001005242.3 (MANE Select); coding-DNA position 1592, C replaced by T.
Protein change: p.Ala531Val; replaces alanine 531 with valine.
Molecular consequence: missense variant.
Genome position (GRCh38, 1-based): chr12:32,824,127, G>A on the plus strand (C>T on the coding strand, the complement: PKP2 is on the minus strand). VCF-style: chr12-32824127-G-A. GRCh37 (hg19) VCF-style: chr12-32977061-G-A.
Other names: c.1592C>T, p.Ala531Val (NM_001407155.1, NM_001407156.1, NM_001407161.1); c.1724C>T, p.Ala575Val (NM_001407157.1, NM_004572.4); c.1265C>T, p.Ala422Val (NM_001407158.1, NM_001407159.1, NM_001407160.1 and 1 more transcripts); short protein forms A422V, A531V, A575V.
Identifiers: ClinVar variation 2779371 (VCV002779371.2), dbSNP rs752815624, ClinGen allele CA384364983.
Genomic context (GRCh38, chr12:32,824,127, plus strand): 5'-GCAATGGTTCCTCTGACATAATGGACCAGTGAGTCAATGAGTCCGTCACATCTTCTCATC[G>A]CTTTTCTCCCATCAGCGCCAGCAGAACTCATGTTTCTATCAGAAAAAACAAAAAACAAAA-3'
Protein context (NP_001005242.2, residues 521-541): MSSAGADGRK[Ala531Val]MRRCDGLIDS

ClinVar aggregate classification (germline): Uncertain significance (1 of 4 stars; one submission).

Conditions:
Arrhythmogenic right ventricular dysplasia 9 (ARVD9). Also called: ARRHYTHMOGENIC RIGHT VENTRICULAR DYSPLASIA, FAMILIAL, 9; Arrhythmogenic Right Ventricular Dysplasia/Cardiomyopathy 9. Identifiers: MedGen C1836906, MONDO:0012180, OMIM 609040.

Allele frequency attached by ClinVar (database versions not stated): TOPMed below 0.00001; gnomAD 0.00001.
gnomAD v4.1: 5 of 1,612,980 alleles (0.00031%); highest among the groups gnomAD compares: Admixed American, 0.0017%; no homozygotes.

Submission:

Labcorp Genetics (formerly Invitae), Labcorp
Classification: Uncertain significance for Arrhythmogenic right ventricular dysplasia 9. Last evaluated: 2026-01-27. Review status: criteria provided, single submitter. Criteria: Invitae Variant Classification Sherloc (09022015). Collection method: clinical testing. Allele origin: germline.
Comment: This sequence change replaces alanine, which is neutral and non-polar, with valine, which is neutral and non-polar, at codon 575 of the PKP2 protein (p.Ala575Val). This variant is present in population databases (no rsID available, gnomAD 0.003%). This variant has not been reported in the literature in individuals affected with PKP2-related conditions. ClinVar contains an entry for this variant (Variation ID: 2779371). An algorithm developed to predict the effect of missense changes on protein structure and function outputs the following: PolyPhen-2: "Benign". The valine amino acid residue is found in multiple mammalian species, which suggests that this missense change does not adversely affect protein function. In summary, the available evidence is currently insufficient to determine the role of this variant in disease. Therefore, it has been classified as a Variant of Uncertain Significance.